The following is an entry in ClinVar:

NM_005921.2(MAP3K1):c.2117T>C (p.Leu706Pro)

Gene: MAP3K1 (mitogen-activated protein kinase kinase kinase 1; plus strand). Cytogenetic location: 5q11.2.
Variant type: single nucleotide variant.
Coding change: c.2117T>C on transcript NM_005921.2 (MANE Select); coding-DNA position 2117, T replaced by C.
Protein change: p.Leu706Pro; replaces leucine 706 with proline.
Molecular consequence: missense variant.
Genome position (GRCh38, 1-based): chr5:56,880,740, T>C. VCF-style: chr5-56880740-T-C. GRCh37 (hg19) VCF-style: chr5-56176567-T-C.
Other names: short protein forms L706P.
Identifiers: ClinVar variation 3666956 (VCV003666956.2).

ClinVar aggregate classification (germline): Uncertain significance (1 of 4 stars; one submission).

Conditions:
46,XY sex reversal 6. Also called: 46,XY GONADAL DYSGENESIS, PARTIAL OR COMPLETE, MAP3K1-RELATED; 46,XY SEX REVERSAL, PARTIAL OR COMPLETE, MAP3K1-RELATED. Identifiers: MedGen C3151064, MONDO:0013410, OMIM 613762.

Submission:

Labcorp Genetics (formerly Invitae), Labcorp
Classification: Uncertain significance for 46,XY sex reversal 6. Last evaluated: 2025-01-22. Review status: criteria provided, single submitter. Criteria: Invitae Variant Classification Sherloc (09022015). Collection method: clinical testing. Allele origin: germline.
Comment: This sequence change replaces leucine, which is neutral and non-polar, with proline, which is neutral and non-polar, at codon 706 of the MAP3K1 protein (p.Leu706Pro). This variant is not present in population databases (gnomAD no frequency). This variant has not been reported in the literature in individuals affected with MAP3K1-related conditions. Invitae Evidence Modeling of protein sequence and biophysical properties (such as structural, functional, and spatial information, amino acid conservation, physicochemical variation, residue mobility, and thermodynamic stability) indicates that this missense variant is expected to disrupt MAP3K1 protein function with a positive predictive value of 80%. In summary, the available evidence is currently insufficient to determine the role of this variant in disease. Therefore, it has been classified as a Variant of Uncertain Significance.